The following is an entry in ClinVar:

ClinVar aggregate classification (germline): Likely benign. Review status: criteria provided, single submitter (1 of 4 stars). 2 submissions from 2 submitters: Likely benign (1). 1 of the submissions does not count toward it.

Conditions:
ATP10A-related disorder. Also called: ATP10A-related condition.

Allele frequency attached by ClinVar (database versions not stated): gnomAD exomes below 0.00001; TOPMed below 0.00001; ExAC 0.00001; gnomAD 0.00001; 1000 Genomes Project 30x 0.00016; 1000 Genomes Project 0.00020.
gnomAD v4.1: 11 of 1,610,896 alleles (0.00068%); highest among the groups gnomAD compares: African/African-American, 0.008%; no homozygotes.

Submissions (2):

Breakthrough Genomics
Classification: Likely benign. Review status: criteria provided, single submitter. Criteria: ACMG Guidelines, 2015. Collection method: not provided. Allele origin: germline. Inheritance: Unknown mechanism. Affected: yes.

PreventionGenetics, part of Exact Sciences
Classification: Likely benign for ATP10A-related condition. Last evaluated: 2019-07-10. Review status: no assertion criteria provided. Collection method: clinical testing. Allele origin: germline. Not counted in ClinVar's aggregate classification.
Comment: This variant is classified as likely benign based on ACMG/AMP sequence variant interpretation guidelines (Richards et al. 2015 PMID: 25741868, with internal and published modifications).

NM_024490.4(ATP10A):c.1363+3G>A

Gene: ATP10A (ATPase phospholipid transporting 10A (putative); minus strand). Cytogenetic location: 15q12.
Variant type: single nucleotide variant.
Coding change: c.1363+3G>A on transcript NM_024490.4 (MANE Select); 3 bases into the intron after coding-DNA position 1363, G replaced by A.
Molecular consequence: intron variant.
Genome position (GRCh38, 1-based): chr15:25,721,654, C>T on the plus strand (G>A on the coding strand, the complement: ATP10A is on the minus strand). VCF-style: chr15-25721654-C-T. GRCh37 (hg19) VCF-style: chr15-25966801-C-T.
Identifiers: ClinVar variation 3042700 (VCV003042700.3), dbSNP rs200331199, ClinGen allele CA7436851.